The following is an entry in ClinVar:

NM_004655.4(AXIN2):c.2406-16T>C

Gene: AXIN2 (axin 2; minus strand). Cytogenetic location: 17q24.1.
Variant type: single nucleotide variant.
Coding change: c.2406-16T>C on transcript NM_004655.4 (MANE Select); 16 bases into the intron before coding-DNA position 2406, T replaced by C.
Molecular consequence: intron variant.
Genome position (GRCh38, 1-based): chr17:65,530,118, A>G on the plus strand (T>C on the coding strand, the complement: AXIN2 is on the minus strand). VCF-style: chr17-65530118-A-G. GRCh37 (hg19) VCF-style: chr17-63526236-A-G.
Other names: c.2211-16T>C (NM_001363813.1).
Identifiers: ClinVar variation 3378957 (VCV003378957.3).
Genomic context (GRCh38, chr17:65,530,118, plus strand): 5'-ACCGCTCCACAGGCAAACTCATCGCTTGCTTTTTTGAAGTAATACCTTAAAAGGAAAACC[A>G]AAAAAGCTTCTTGGTAAACTGCATTTTCCACATTGTTGAAAAGAAAAGCATACCAACATG-3'

ClinVar aggregate classification (germline): Likely benign. Review status: criteria provided, multiple submitters, no conflicts (2 of 4 stars). 2 submissions from 2 submitters: Likely benign (2). Last evaluated 2024-09-23.

Conditions:
Oligodontia-cancer predisposition syndrome. Also called: TOOTH AGENESIS-COLORECTAL CANCER SYNDROME. Identifiers: Orphanet 300576, MedGen C1837750, MONDO:0012075, OMIM 608615. Disease mechanism: loss of function.

Submissions (2):

Labcorp Genetics (formerly Invitae), Labcorp
Classification: Likely benign for Oligodontia-cancer predisposition syndrome. Last evaluated: 2024-09-23. Review status: criteria provided, single submitter. Criteria: Invitae Variant Classification Sherloc (09022015). Collection method: clinical testing. Allele origin: germline.

Myriad Genetics, Inc.
Classification: Likely benign for Oligodontia-cancer predisposition syndrome. Last evaluated: 2024-07-11. Review status: criteria provided, single submitter. Criteria: Myriad Autosomal Dominant, Autosomal Recessive and X-Linked Classification Criteria (2023). Collection method: clinical testing. Allele origin: unknown.
Comment: This variant is considered likely benign. This variant is intronic and is not expected to impact mRNA splicing.